The following is an entry in ClinVar:

NM_006939.4(SOS2):c.3610C>T (p.Pro1204Ser)

Gene: SOS2 (SOS Ras/Rho guanine nucleotide exchange factor 2; minus strand). Cytogenetic location: 14q21.3.
Variant type: single nucleotide variant.
Coding change: c.3610C>T on transcript NM_006939.4 (MANE Select); coding-DNA position 3610, C replaced by T.
Protein change: p.Pro1204Ser; replaces proline 1204 with serine.
Molecular consequence: missense variant.
Genome position (GRCh38, 1-based): chr14:50,118,733, G>A on the plus strand (C>T on the coding strand, the complement: SOS2 is on the minus strand). VCF-style: chr14-50118733-G-A. GRCh37 (hg19) VCF-style: chr14-50585451-G-A.
Other names: c.3511C>T, p.Pro1171Ser (NM_001411020.1); short protein forms P1171S, P1204S.
Identifiers: ClinVar variation 5037056 (VCV005037056.1).
Genomic context (GRCh38, chr14:50,118,733, plus strand): 5'-GAGGCCGAAGGGGAACTGGTGGAGGGGTATCAGGAAGAGGATCTCTTGGTGGTGGCGGAG[G>A]TGGACTATGCAGAGGCCCATCAAATGCACCAGTAGGAACAGGAACTCTGGGTTTTACCTT-3'
Protein context (NP_008870.2, residues 1194-1214): GAFDGPLHSP[Pro1204Ser]PPPPRDPLPD

ClinVar aggregate classification (germline): Uncertain significance (1 of 4 stars; one submission).

gnomAD v4.1: 1 of 1,613,564 alleles (0.000062%); highest among the groups gnomAD compares: Non-Finnish European, 0.000085%; no homozygotes.

Submission:

GeneDx
Classification: Uncertain significance. Last evaluated: 2026-04-14. Review status: criteria provided, single submitter. Criteria: GeneDx Variant Classification Process June 2021. Collection method: clinical testing. Allele origin: germline.
Comment: Not observed at significant frequency in large population cohorts (gnomAD); In silico analysis supports that this missense variant has a deleterious effect on protein structure/function; Has not been previously published as pathogenic or benign to our knowledge